The following is an entry in ClinVar:

ClinVar aggregate classification (germline): Uncertain significance (1 of 4 stars; one submission).

Submission:

GeneDx
Classification: Uncertain significance. Last evaluated: 2026-03-03. Review status: criteria provided, single submitter. Criteria: GeneDx Variant Classification Process June 2021. Collection method: clinical testing. Allele origin: germline.
Comment: Not observed at significant frequency in large population cohorts (gnomAD); In silico analysis supports that this missense variant has a deleterious effect on protein structure/function; Has not been previously published as pathogenic or benign to our knowledge

NM_001394998.1(TANC2):c.3224T>C (p.Met1075Thr)

Genes: TANC2 (tetratricopeptide repeat, ankyrin repeat and coiled-coil containing 2; plus strand), LOC105371856 (uncharacterized LOC105371856; minus strand). Cytogenetic location: 17q23.3.
Variant type: single nucleotide variant.
Coding change: c.3224T>C on transcript NM_001394998.1 (MANE Select); coding-DNA position 3224, T replaced by C.
Protein change: p.Met1075Thr; replaces methionine 1075 with threonine.
Molecular consequence: missense variant.
Genome position (GRCh38, 1-based): chr17:63,395,915, T>C. VCF-style: chr17-63395915-T-C. GRCh37 (hg19) VCF-style: chr17-61473276-T-C.
Other names: c.3002T>C, p.Met1001Thr (NM_001411076.1, NM_025185.4); short protein forms M1075T, M1001T.
Identifiers: ClinVar variation 5008501 (VCV005008501.1).